The following is an entry in ClinVar:

NM_005429.5(VEGFC):c.204_212del (p.Glu68_Thr71delinsAsp)

Gene: VEGFC (vascular endothelial growth factor C; minus strand). Cytogenetic location: 4q34.3.
Variant type: Deletion.
Coding change: c.204_212del on transcript NM_005429.5 (MANE Select); coding-DNA positions 204 to 212, 9 bases deleted (ACTCATGAC; older notation c.204_212delACTCATGAC).
Protein change: p.Glu68_Thr71delinsAsp.
Molecular consequence: inframe indel.
Genome position (GRCh38, 1-based): chr4:176,729,682-176,729,690, GTCATGAGT deleted on the plus strand (ACTCATGAC on the coding strand, the reverse complement: VEGFC is on the minus strand). VCF-style (leftmost placement, unchanged base first): chr4-176729681-AGTCATGAGT-A. GRCh37 (hg19) VCF-style: chr4-177650835-AGTCATGAGT-A.
Identifiers: ClinVar variation 4756068 (VCV004756068.1).
Genomic context (GRCh38, chr4:176,729,681, plus strand): 5'-TTGCCAGCCTCCTTTCCTTAGCTGACACTTGTACATTTTCCAATATTCTGGGTAGAGTAC[AGTCATGAGT>A]TCATCTACACTGGACACAGACCGTAACTGCTCCTCCAGATCTTTGCTTGCATAAGCCTGT-3'

ClinVar aggregate classification (germline): Uncertain significance (1 of 4 stars; one submission).

Submission:

GeneDx
Classification: Uncertain significance. Last evaluated: 2025-08-06. Review status: criteria provided, single submitter. Criteria: GeneDx Variant Classification Process June 2021. Collection method: clinical testing. Allele origin: germline. Affected: yes.
Comment: In-frame deletion of 4 amino acids and insertion of 1 different amino acid in a non-repeat region; In silico analysis supports a deleterious effect on protein structure/function; In silico analysis suggests this variant may impact gene splicing. In the absence of RNA/functional studies, the actual effect of this sequence change is unknown.; Has not been previously published as pathogenic or benign to our knowledge